The following is an entry in ClinVar:

NM_000245.4(MET):c.514T>A (p.Cys172Ser)

Gene: MET (MET proto-oncogene, receptor tyrosine kinase; plus strand). Cytogenetic location: 7q31.2.
Variant type: single nucleotide variant.
Coding change: c.514T>A on transcript NM_000245.4 (MANE Select); coding-DNA position 514, T replaced by A.
Protein change: p.Cys172Ser; replaces cysteine 172 with serine.
Molecular consequence: missense variant. On other transcripts: intron variant (1).
Genome position (GRCh38, 1-based): chr7:116,699,598, T>A. VCF-style: chr7-116699598-T-A. GRCh37 (hg19) VCF-style: chr7-116339652-T-A.
Other names: c.514T>A, p.Cys172Ser (NM_001127500.3, NM_001324401.3); c.-91+27021T>A (NM_001324402.2); short protein forms C172S.
Identifiers: ClinVar variation 1745666 (VCV001745666.2), dbSNP rs2116590809, ClinGen allele CA368969249.
Genomic context (GRCh38, chr7:116,699,598, plus strand): 5'-GCTGACATACAGTCGGAGGTTCACTGCATATTCTCCCCACAGATAGAAGAGCCCAGCCAG[T>A]GTCCTGACTGTGTGGTGAGCGCCCTGGGAGCCAAAGTCCTTTCATCTGTAAAGGACCGGT-3'
Protein context (NP_000236.2, residues 162-182): FSPQIEEPSQ[Cys172Ser]PDCVVSALGA

ClinVar aggregate classification (germline): Uncertain significance (1 of 4 stars; one submission).

Conditions:
Hereditary cancer-predisposing syndrome. Also called: Hereditary Cancer Syndrome; Neoplastic Syndromes, Hereditary; Tumor predisposition; Hereditary neoplastic syndrome. Identifiers: Orphanet 140162, MedGen C0027672, MeSH D009386, MONDO:0015356.

Submission:

Ambry Genetics
Classification: Uncertain significance for Hereditary cancer-predisposing syndrome. Last evaluated: 2022-08-23. Review status: criteria provided, single submitter. Criteria: Ambry Variant Classification Scheme 2023. Collection method: clinical testing. Allele origin: germline.
Comment: The p.C172S variant (also known as c.514T>A), located in coding exon 1 of the MET gene, results from a T to A substitution at nucleotide position 514. The cysteine at codon 172 is replaced by serine, an amino acid with dissimilar properties. This amino acid position is conserved. In addition, this alteration is predicted to be tolerated by in silico analysis. Since supporting evidence is limited at this time, the clinical significance of this alteration remains unclear.